The following is an entry in ClinVar:

NM_000027.4(AGA):c.776A>G (p.Asn259Ser)

Gene: AGA (aspartylglucosaminidase; minus strand). Cytogenetic location: 4q34.3.
Variant type: single nucleotide variant.
Coding change: c.776A>G on transcript NM_000027.4 (MANE Select); coding-DNA position 776, A replaced by G.
Protein change: p.Asn259Ser; replaces asparagine 259 with serine.
Molecular consequence: missense variant. On other transcripts: non-coding transcript variant (1).
Genome position (GRCh38, 1-based): chr4:177,434,412, T>C on the plus strand (A>G on the coding strand, the complement: AGA is on the minus strand). VCF-style: chr4-177434412-T-C. GRCh37 (hg19) VCF-style: chr4-178355566-T-C.
Other names: c.746A>G, p.Asn249Ser (NM_001171988.2); short protein forms N249S, N259S.
Identifiers: ClinVar variation 991947 (VCV000991947.4), dbSNP rs1306999394, ClinGen allele CA358782148.

ClinVar aggregate classification (germline): Uncertain significance. Review status: criteria provided, multiple submitters, no conflicts (2 of 4 stars). 3 submissions from 3 submitters: Uncertain significance (2). 1 of the submissions does not count toward it. Last evaluated 2022-07-26.

Conditions:
Aspartylglucosaminuria (AGU). Also called: Aspartylglucos-aminuria; Aspartylglucos-amidase (AGA) deficiency; AGA DEFICIENCY; GLYCOASPARAGINASE; GLYCOSYLASPARAGINASE DEFICIENCY. Identifiers: Orphanet 93, MedGen C0268225, MONDO:0008830, OMIM 208400, HP:0012068.

Allele frequency attached by ClinVar (database versions not stated): gnomAD exomes 0.00001; TOPMed 0.00003.

Submissions (3):

Labcorp Genetics (formerly Invitae), Labcorp
Classification: Uncertain significance for Aspartylglucosaminuria. Last evaluated: 2022-07-26. Review status: criteria provided, single submitter. Criteria: Invitae Variant Classification Sherloc (09022015). Collection method: clinical testing. Allele origin: germline.
Comment: This sequence change replaces asparagine, which is neutral and polar, with serine, which is neutral and polar, at codon 259 of the AGA protein (p.Asn259Ser). This variant is present in population databases (no rsID available, gnomAD 0.006%). This variant has not been reported in the literature in individuals affected with AGA-related conditions. ClinVar contains an entry for this variant (Variation ID: 991947). Algorithms developed to predict the effect of missense changes on protein structure and function are either unavailable or do not agree on the potential impact of this missense change (SIFT: "Deleterious"; PolyPhen-2: "Benign"; Align-GVGD: "Class C0"). In summary, the available evidence is currently insufficient to determine the role of this variant in disease. Therefore, it has been classified as a Variant of Uncertain Significance.

Fulgent Genetics
Classification: Uncertain significance for Aspartylglucosaminuria. Last evaluated: 2021-08-31. Review status: criteria provided, single submitter. Criteria: ACMG Guidelines, 2015. Collection method: clinical testing. Allele origin: unknown.

Natera, Inc.
Classification: Uncertain significance for Aspartylglucosaminuria. Last evaluated: 2020-04-16. Review status: no assertion criteria provided. Collection method: clinical testing. Allele origin: germline. Not counted in ClinVar's aggregate classification.